The following is an entry in ClinVar:

ClinVar aggregate classification (germline): Uncertain significance (1 of 4 stars; one submission).

Conditions:
Retinoblastoma (RB1). Also called: RETINOBLASTOMA, SOMATIC. Identifiers: Orphanet 790, MedGen C0035335, MeSH D012175, MONDO:0008380, OMIM 180200, HP:0009919. Disease mechanism: loss of function. Inheritance: Both sporadic and heritable forms are tested..

Submission:

Labcorp Genetics (formerly Invitae), Labcorp
Classification: Uncertain significance for Retinoblastoma. Last evaluated: 2024-03-06. Review status: criteria provided, single submitter. Criteria: Invitae Variant Classification Sherloc (09022015). Collection method: clinical testing. Allele origin: germline.
Comment: This sequence change replaces lysine, which is basic and polar, with arginine, which is basic and polar, at codon 913 of the RB1 protein (p.Lys913Arg). This variant is not present in population databases (gnomAD no frequency). This variant has not been reported in the literature in individuals affected with RB1-related conditions. ClinVar contains an entry for this variant (Variation ID: 1355666). Advanced modeling of protein sequence and biophysical properties (such as structural, functional, and spatial information, amino acid conservation, physicochemical variation, residue mobility, and thermodynamic stability) has been performed at Invitae for this missense variant, however the output from this modeling did not meet the statistical confidence thresholds required to predict the impact of this variant on RB1 protein function. In summary, the available evidence is currently insufficient to determine the role of this variant in disease. Therefore, it has been classified as a Variant of Uncertain Significance.

NM_000321.3(RB1):c.2738A>G (p.Lys913Arg)

Gene: RB1 (RB transcriptional corepressor 1; plus strand). Cytogenetic location: 13q14.2.
Variant type: single nucleotide variant.
Coding change: c.2738A>G on transcript NM_000321.3 (MANE Select); coding-DNA position 2738, A replaced by G.
Protein change: p.Lys913Arg; replaces lysine 913 with arginine.
Molecular consequence: missense variant.
Genome position (GRCh38, 1-based): chr13:48,480,022, A>G. VCF-style: chr13-48480022-A-G. GRCh37 (hg19) VCF-style: chr13-49054158-A-G.
Other names: short protein forms K913R.
Identifiers: ClinVar variation 1355666 (VCV001355666.8), dbSNP rs2138364453, ClinGen allele CA388158318.